The following is an entry in ClinVar:

NM_000944.5(PPP3CA):c.58+4A>G

Gene: PPP3CA (protein phosphatase 3 catalytic subunit alpha; minus strand). Cytogenetic location: 4q24.
Variant type: single nucleotide variant.
Coding change: c.58+4A>G on transcript NM_000944.5 (MANE Select); 4 bases into the intron after coding-DNA position 58, A replaced by G.
Molecular consequence: intron variant.
Genome position (GRCh38, 1-based): chr4:101,346,735, T>C on the plus strand (A>G on the coding strand, the complement: PPP3CA is on the minus strand). VCF-style: chr4-101346735-T-C. GRCh37 (hg19) VCF-style: chr4-102267892-T-C.
Other names: c.58+4A>G (NM_001130692.2, NM_001130691.2).
Identifiers: ClinVar variation 1390055 (VCV001390055.6), dbSNP rs752339001, ClinGen allele CA3024643.

ClinVar aggregate classification (germline): Uncertain significance (1 of 4 stars; one submission).

Allele frequency attached by ClinVar (database versions not stated): ExAC 0.00002; gnomAD exomes 0.00003; TOPMed 0.00003; gnomAD 0.00004.
gnomAD v4.1: 51 of 1,610,634 alleles (0.0032%); highest among the groups gnomAD compares: Non-Finnish European, 0.0041%; no homozygotes.

Submission:

Labcorp Genetics (formerly Invitae), Labcorp
Classification: Uncertain significance. Last evaluated: 2024-07-19. Review status: criteria provided, single submitter. Criteria: Invitae Variant Classification Sherloc (09022015). Collection method: clinical testing. Allele origin: germline.
Comment: This sequence change falls in intron 1 of the PPP3CA gene. It does not directly change the encoded amino acid sequence of the PPP3CA protein. It affects a nucleotide within the consensus splice site. This variant is present in population databases (rs752339001, gnomAD 0.006%). This variant has not been reported in the literature in individuals affected with PPP3CA-related conditions. ClinVar contains an entry for this variant (Variation ID: 1390055). Variants that disrupt the consensus splice site are a relatively common cause of aberrant splicing (PMID: 17576681, 9536098). Algorithms developed to predict the effect of sequence changes on RNA splicing suggest that this variant is not likely to affect RNA splicing. In summary, the available evidence is currently insufficient to determine the role of this variant in disease. Therefore, it has been classified as a Variant of Uncertain Significance.

Literature cited by the submitters: PubMed 17576681; PubMed 9536098.